The following is an entry in ClinVar:

NM_020366.4(RPGRIP1):c.2801G>C (p.Ser934Thr)

Gene: RPGRIP1 (RPGR interacting protein 1; plus strand). Cytogenetic location: 14q11.2.
Variant type: single nucleotide variant.
Coding change: c.2801G>C on transcript NM_020366.4 (MANE Select); coding-DNA position 2801, G replaced by C.
Protein change: p.Ser934Thr; replaces serine 934 with threonine.
Molecular consequence: missense variant.
Genome position (GRCh38, 1-based): chr14:21,327,713, G>C. VCF-style: chr14-21327713-G-C. GRCh37 (hg19) VCF-style: chr14-21795872-G-C.
Other names: c.779G>C, p.Ser260Thr (NM_001377523.1, NM_001377950.1); c.1727G>C, p.Ser576Thr (NM_001377948.1); c.887G>C, p.Ser296Thr (NM_001377949.1); c.281G>C, p.Ser94Thr (NM_001377951.1); short protein forms S296T, S576T, S934T, S260T, S94T.
Identifiers: ClinVar variation 2103104 (VCV002103104.4), dbSNP rs373491610, ClinGen allele CA7089352.

ClinVar aggregate classification (germline): Uncertain significance (1 of 4 stars; one submission).

Conditions:
Leber congenital amaurosis 6 (LCA6). Identifiers: Orphanet 65, MedGen C1854260, MONDO:0013446, OMIM 613826.
Cone-rod dystrophy 13 (CORD13). Identifiers: Orphanet 1872, MedGen C2750720, MONDO:0011987, OMIM 608194.

Allele frequency attached by ClinVar (database versions not stated): TOPMed below 0.00001; ExAC 0.00001; ESP Exome Variant Server 0.00008.
gnomAD v4.1: 1 of 1,613,862 alleles (0.000062%); no homozygotes.

Submission:

Labcorp Genetics (formerly Invitae), Labcorp
Classification: Uncertain significance for Leber congenital amaurosis 6; Cone-rod dystrophy 13. Last evaluated: 2022-04-12. Review status: criteria provided, single submitter. Criteria: Invitae Variant Classification Sherloc (09022015). Collection method: clinical testing. Allele origin: germline.
Comment: In summary, the available evidence is currently insufficient to determine the role of this variant in disease. Therefore, it has been classified as a Variant of Uncertain Significance. Algorithms developed to predict the effect of missense changes on protein structure and function (SIFT, PolyPhen-2, Align-GVGD) all suggest that this variant is likely to be tolerated. This variant has not been reported in the literature in individuals affected with RPGRIP1-related conditions. This variant is present in population databases (rs373491610, gnomAD 0.0009%). This sequence change replaces serine, which is neutral and polar, with threonine, which is neutral and polar, at codon 934 of the RPGRIP1 protein (p.Ser934Thr).